The following is an entry in ClinVar:

ClinVar aggregate classification (germline): Likely benign (1 of 4 stars; one submission).

Submission:

Women's Health and Genetics/Laboratory Corporation of America, LabCorp
Classification: Likely benign. Last evaluated: 2025-10-15. Review status: criteria provided, single submitter. Criteria: LabCorp Variant Classification Summary - May 2015. Collection method: clinical testing. Allele origin: germline.
Comment: Variant summary: MAST1 c.2583A>T alters a conserved nucleotide resulting in a synonymous change. Consensus agreement among computation tools predict no significant impact on normal splicing. However, these predictions have yet to be confirmed by functional studies. The variant was absent in 242478 control chromosomes. The available data on variant occurrences in the general population are insufficient to allow any conclusion about variant significance. To our knowledge, no occurrence of c.2583A>T in individuals affected with MAST1-related conditions and no experimental evidence demonstrating its impact on protein function have been reported. No submitters have cited clinical-significance assessments for this variant to ClinVar. Based on the evidence outlined above, the variant was classified as likely benign.

NM_014975.3(MAST1):c.2583A>T (p.Pro861=)

Gene: MAST1 (microtubule associated serine/threonine kinase 1; plus strand). Cytogenetic location: 19p13.13.
Variant type: single nucleotide variant.
Coding change: c.2583A>T on transcript NM_014975.3 (MANE Select); coding-DNA position 2583, A replaced by T.
Protein change: p.Pro861=; no amino-acid change (proline 861 retained).
Molecular consequence: synonymous variant.
Genome position (GRCh38, 1-based): chr19:12,868,659, A>T. VCF-style: chr19-12868659-A-T. GRCh37 (hg19) VCF-style: chr19-12979473-A-T.
Identifiers: ClinVar variation 4687259 (VCV004687259.1).